The following is an entry in ClinVar:

ClinVar aggregate classification (germline): Uncertain significance. Review status: criteria provided, multiple submitters, no conflicts (2 of 4 stars). 6 submissions from 6 submitters: Uncertain significance (6). Last evaluated 2025-06-23.

Conditions:
Hereditary nonpolyposis colorectal neoplasms. Identifiers: MedGen C0009405, MeSH D003123.
Hereditary cancer-predisposing syndrome. Also called: Hereditary Cancer Syndrome; Neoplastic Syndromes, Hereditary; Tumor predisposition; Hereditary neoplastic syndrome. Identifiers: Orphanet 140162, MedGen C0027672, MeSH D009386, MONDO:0015356.

gnomAD v4.1: 2 of 1,610,686 alleles (0.00012%); highest among the groups gnomAD compares: East Asian, 0.0022%; no homozygotes.

Submissions (6):

Color Diagnostics, LLC DBA Color Health
Classification: Uncertain significance for Hereditary cancer-predisposing syndrome. Last evaluated: 2025-06-23. Review status: criteria provided, single submitter. Criteria: ACMG Guidelines, 2015. Collection method: clinical testing. Allele origin: germline.
Comment: This missense variant replaces proline with leucine at codon 299 of the PMS2 protein. Computational prediction is inconclusive regarding the impact of this variant on protein structure and function. To our knowledge, functional studies have not been reported for this variant. This variant has not been reported in individuals affected with PMS2-related disorders in the literature. This variant has not been identified in the general population by the Genome Aggregation Database (gnomAD). The available evidence is insufficient to determine the role of this variant in disease conclusively. Therefore, this variant is classified as a Variant of Uncertain Significance.

Labcorp Genetics (formerly Invitae), Labcorp
Classification: Uncertain significance for Hereditary nonpolyposis colorectal neoplasms. Last evaluated: 2025-03-15. Review status: criteria provided, single submitter. Criteria: Invitae Variant Classification Sherloc (09022015). Collection method: clinical testing. Allele origin: germline.
Comment: This sequence change replaces proline, which is neutral and non-polar, with leucine, which is neutral and non-polar, at codon 299 of the PMS2 protein (p.Pro299Leu). This variant is not present in population databases (gnomAD no frequency). This missense change has been observed in individual(s) with colorectal cancer or colon polyps (PMID: 31422818). ClinVar contains an entry for this variant (Variation ID: 480325). Invitae Evidence Modeling incorporating data from in vitro experimental studies (internal data) indicates that this missense variant is not expected to disrupt PMS2 function with a negative predictive value of 95%. In summary, the available evidence is currently insufficient to determine the role of this variant in disease. Therefore, it has been classified as a Variant of Uncertain Significance.

Quest Diagnostics Nichols Institute San Juan Capistrano
Classification: Uncertain significance. Last evaluated: 2025-01-31. Review status: criteria provided, single submitter. Criteria: Quest Diagnostics criteria. Collection method: clinical testing. Allele origin: unknown.
Comment: The PMS2 c.896C>T (p.Pro299Leu) variant has been reported in the published literature in a study involving individuals with CRC, polyps, and control cohorts (PMID: 31422818 (2019)). This variant has not been reported in large, multi-ethnic general populations (Genome Aggregation Database). Analysis of this variant using bioinformatics tools for the prediction of the effect of amino acid changes on protein structure and function yielded conflicting predictions that this variant is deleterious or benign. Based on the available information, we are unable to determine the clinical significance of this variant.

Ambry Genetics
Classification: Uncertain significance for Hereditary cancer-predisposing syndrome. Last evaluated: 2023-12-29. Review status: criteria provided, single submitter. Criteria: Ambry Variant Classification Scheme 2023. Collection method: clinical testing. Allele origin: germline.
Comment: The p.P299L variant (also known as c.896C>T), located in coding exon 8 of the PMS2 gene, results from a C to T substitution at nucleotide position 896. The proline at codon 299 is replaced by leucine, an amino acid with similar properties. This alteration was detected in a study of 1,165 individuals with a history of colorectal cancer or colon polyps as well as 590 controls (Gordon AS et al. Am J Hum Genet, 2019 09;105:526-533). This amino acid position is highly conserved in available vertebrate species. In addition, this alteration is predicted to be deleterious by in silico analysis. Since supporting evidence is limited at this time, the clinical significance of this alteration remains unclear.

GeneDx
Classification: Uncertain significance. Last evaluated: 2019-10-23. Review status: criteria provided, single submitter. Criteria: GeneDx Variant Classification Process June 2021. Collection method: clinical testing. Allele origin: germline. Affected: yes.
Comment: Not observed in large population cohorts (Lek 2016); In silico analysis, which includes protein predictors and evolutionary conservation, supports a deleterious effect; Has not been previously published as pathogenic or benign to our knowledge

Laboratory for Molecular Medicine, Mass General Brigham Personalized Medicine
Classification: Uncertain significance. Last evaluated: 2017-04-21. Review status: criteria provided, single submitter. Criteria: LMM Criteria. Collection method: clinical testing. Allele origin: germline. Observed: 1 variant allele.
Comment: The p.Pro299Leu variant in PMS2 has not been previously reported in individuals with Lynch Syndrome and was absent from large population studies. Computational prediction tools and conservation analysis do not provide strong support for or against an impact to the protein. In summary, the clinical significance of the p .Pro299Leu variant is uncertain.

Literature cited by the submitters: PubMed 31422818 (cited by 3 submitters).

NM_000535.7(PMS2):c.896C>T (p.Pro299Leu)

Gene: PMS2 (PMS1 homolog 2, mismatch repair system component; minus strand). Cytogenetic location: 7p22.1.
Variant type: single nucleotide variant.
Coding change: c.896C>T on transcript NM_000535.7 (MANE Select); coding-DNA position 896, C replaced by T.
Protein change: p.Pro299Leu; replaces proline 299 with leucine.
Molecular consequence: missense variant. On other transcripts: 5 prime UTR variant (2), non-coding transcript variant (1).
Genome position (GRCh38, 1-based): chr7:5,995,541, G>A on the plus strand (C>T on the coding strand, the complement: PMS2 is on the minus strand). VCF-style: chr7-5995541-G-A. GRCh37 (hg19) VCF-style: chr7-6035172-G-A.
Other names: c.491C>T, p.Pro164Leu (NM_001322003.2, NM_001322004.2, NM_001322005.2 and 2 more transcripts); c.896C>T, p.Pro299Leu (NM_001322006.2, NM_001322014.2); c.578C>T, p.Pro193Leu (NM_001322007.2, NM_001322008.2); c.-38C>T (NM_001322011.2, NM_001322012.2); c.323C>T, p.Pro108Leu (NM_001322013.2); c.587C>T, p.Pro196Leu (NM_001322015.2); short protein forms P299L, P196L, P164L, P108L, P193L.
Identifiers: ClinVar variation 480325 (VCV000480325.23), dbSNP rs1402108044, ClinGen allele CA366743407.